The following is an entry in ClinVar:

ClinVar aggregate classification (germline): Benign/Likely benign. Review status: criteria provided, multiple submitters, no conflicts (2 of 4 stars). 3 submissions from 3 submitters: Benign (1); Likely benign (2). Last evaluated 2025-11-12.

Conditions:
Early Myoclonic Encephalopathy. Identifiers: MedGen C0270855.

Allele frequency attached by ClinVar (database versions not stated): TOPMed 0.00080; ExAC 0.00085; gnomAD 0.00089 and 0.00098; gnomAD exomes 0.00089 and 0.00143; ESP Exome Variant Server 0.00109.
gnomAD v4.1: 2,200 of 1,613,580 alleles (0.14%); highest among the groups gnomAD compares: Non-Finnish European, 0.17%; 3 homozygotes.

Submissions (3):

Labcorp Genetics (formerly Invitae), Labcorp
Classification: Likely benign for Early Myoclonic Encephalopathy. Last evaluated: 2025-11-12. Review status: criteria provided, single submitter. Criteria: Invitae Variant Classification Sherloc (09022015). Collection method: clinical testing. Allele origin: germline.

CeGaT Center for Human Genetics Tuebingen
Classification: Likely benign. Last evaluated: 2025-08-01. Review status: criteria provided, single submitter. Criteria: CeGaT Center For Human Genetics Tuebingen Variant Classification Criteria Version 2. Collection method: clinical testing. Allele origin: germline. Affected: yes. Observed: 4 variant alleles.
Comment: JMJD1C: BP4, BP7

Laboratory of Genetics, Children's Clinical University Hospital Latvia
Classification: Benign. Last evaluated: 2025-02-16. Review status: criteria provided, single submitter. Criteria: ACMG Guidelines, 2015. Collection method: clinical testing. Allele origin: germline. Affected: yes.

NM_032776.3(JMJD1C):c.2832A>G (p.Pro944=)

Gene: JMJD1C (jumonji domain containing 1C; minus strand). Cytogenetic location: 10q21.3.
Variant type: single nucleotide variant.
Coding change: c.2832A>G on transcript NM_032776.3 (MANE Select); coding-DNA position 2832, A replaced by G.
Protein change: p.Pro944=; no amino-acid change (proline 944 retained).
Molecular consequence: synonymous variant. On other transcripts: non-coding transcript variant (1).
Genome position (GRCh38, 1-based): chr10:63,209,098, T>C on the plus strand (A>G on the coding strand, the complement: JMJD1C is on the minus strand). VCF-style: chr10-63209098-T-C. GRCh37 (hg19) VCF-style: chr10-64968858-T-C.
Other names: c.2286A>G, p.Pro762= (NM_001282948.2, NM_001318154.2); c.1968A>G, p.Pro656= (NM_001318153.2); c.2718A>G, p.Pro906= (NM_001322252.2); c.2175A>G, p.Pro725= (NM_001322254.2, NM_001322258.2).
Identifiers: ClinVar variation 460234 (VCV000460234.36), dbSNP rs61758114, ClinGen allele CA5518555.